The following is an entry in ClinVar:

NM_003060.4(SLC22A5):c.163G>A (p.Ala55Thr)

Gene: SLC22A5 (solute carrier family 22 member 5; plus strand). Cytogenetic location: 5q31.1.
Variant type: single nucleotide variant.
Coding change: c.163G>A on transcript NM_003060.4 (MANE Select); coding-DNA position 163, G replaced by A.
Protein change: p.Ala55Thr; replaces alanine 55 with threonine.
Molecular consequence: missense variant.
Genome position (GRCh38, 1-based): chr5:132,370,135, G>A. VCF-style: chr5-132370135-G-A. GRCh37 (hg19) VCF-style: chr5-131705827-G-A.
Other names: c.163G>A, p.Ala55Thr (NM_001308122.2); short protein forms A55T.
Identifiers: ClinVar variation 841212 (VCV000841212.7), dbSNP rs1356287812, ClinGen allele CA360802500.
Genomic context (GRCh38, chr5:132,370,135, plus strand): 5'-ACCGGCCTGTCCTCCGTGTTCCTGATAGCGACCCCGGAGCACCGCTGCCGGGTGCCGGAC[G>A]CCGCGAACCTGAGCAGCGCCTGGCGCAACCACACTGTCCCACTGCGGCTGCGGGACGGCC-3'
Protein context (NP_003051.1, residues 45-65): TPEHRCRVPD[Ala55Thr]ANLSSAWRNH

ClinVar aggregate classification (germline): Uncertain significance (1 of 4 stars; one submission).

Conditions:
Renal carnitine transport defect (CDSP). Also called: Systemic primary carnitine deficiency; Systemic primary carnitine deficiency disease; CARNITINE DEFICIENCY, SYSTEMIC, DUE TO DEFECT IN RENAL REABSORPTION OF CARNITINE; CARNITINE TRANSPORTER, PLASMA-MEMBRANE, DEFICIENCY OF; CARNITINE UPTAKE DEFECT; Carnitine Deficiency, Systemic. Identifiers: Orphanet 158, MedGen C0342788, MONDO:0008919, OMIM 212140.

Allele frequency attached by ClinVar (database versions not stated): gnomAD exomes below 0.00001 and 0.00001.

Submission:

Labcorp Genetics (formerly Invitae), Labcorp
Classification: Uncertain significance for Renal carnitine transport defect. Last evaluated: 2022-08-31. Review status: criteria provided, single submitter. Criteria: Invitae Variant Classification Sherloc (09022015). Collection method: clinical testing. Allele origin: germline.
Comment: This sequence change replaces alanine, which is neutral and non-polar, with threonine, which is neutral and polar, at codon 55 of the SLC22A5 protein (p.Ala55Thr). This variant is present in population databases (no rsID available, gnomAD 0.007%). This variant has not been reported in the literature in individuals affected with SLC22A5-related conditions. ClinVar contains an entry for this variant (Variation ID: 841212). Advanced modeling of protein sequence and biophysical properties (such as structural, functional, and spatial information, amino acid conservation, physicochemical variation, residue mobility, and thermodynamic stability) performed at Invitae indicates that this missense variant is not expected to disrupt SLC22A5 protein function. In summary, the available evidence is currently insufficient to determine the role of this variant in disease. Therefore, it has been classified as a Variant of Uncertain Significance.